The following is an entry in ClinVar:

ClinVar aggregate classification (germline): Uncertain significance. Review status: criteria provided, multiple submitters, no conflicts (2 of 4 stars). 3 submissions from 3 submitters: Uncertain significance (3). Last evaluated 2025-12-14.

Conditions:
Brugada syndrome. Also called: Sudden Unexplained Death Syndrome; Sudden Unexplained Nocturnal Death Syndrome (SUNDS); Sudden unexpected nocturnal death syndrome; Sudden unexplained nocturnal death syndrome. Identifiers: Orphanet 130, MedGen C1142166, MONDO:0015263.
Cardiovascular phenotype. Identifiers: MedGen CN230736.

Allele frequency attached by ClinVar (database versions not stated): TOPMed 0.00001; gnomAD exomes 0.00002 and 0.00004; ExAC 0.00004.

Submissions (3):

Labcorp Genetics (formerly Invitae), Labcorp
Classification: Uncertain significance for Brugada syndrome. Last evaluated: 2025-12-14. Review status: criteria provided, single submitter. Criteria: Invitae Variant Classification Sherloc (09022015). Collection method: clinical testing. Allele origin: germline.
Comment: This sequence change replaces isoleucine, which is neutral and non-polar, with valine, which is neutral and non-polar, at codon 1482 of the SCN10A protein (p.Ile1482Val). This variant is present in population databases (rs771215180, gnomAD 0.007%). This missense change has been observed in individual(s) with early-onset cardiac conduction system disease (PMID: 31977013). ClinVar contains an entry for this variant (Variation ID: 835989). Invitae Evidence Modeling of protein sequence and biophysical properties (such as structural, functional, and spatial information, amino acid conservation, physicochemical variation, residue mobility, and thermodynamic stability) indicates that this missense variant is not expected to disrupt SCN10A protein function with a negative predictive value of 80%. Experimental studies are conflicting or provide insufficient evidence to determine the effect of this variant on SCN10A function (PMID: 31977013). In summary, the available evidence is currently insufficient to determine the role of this variant in disease. Therefore, it has been classified as a Variant of Uncertain Significance.

Ambry Genetics
Classification: Uncertain significance for Cardiovascular phenotype. Last evaluated: 2025-09-24. Review status: criteria provided, single submitter. Criteria: Ambry Variant Classification Scheme 2023. Collection method: clinical testing. Allele origin: germline.

GeneDx
Classification: Uncertain significance. Last evaluated: 2019-03-26. Review status: criteria provided, single submitter. Criteria: GeneDx Variant Classification Process June 2021. Collection method: clinical testing. Allele origin: germline. Affected: yes.
Comment: In silico analysis, which includes protein predictors and evolutionary conservation, supports that this variant does not alter protein structure/function; Has not been previously published as pathogenic or benign to our knowledge; This variant is associated with the following publications: (PMID: 31977013)

Literature cited by the submitters: PubMed 31977013 (cited by Labcorp Genetics (formerly Invitae), Labcorp).

NM_006514.4(SCN10A):c.4444A>G (p.Ile1482Val)

Gene: SCN10A (sodium voltage-gated channel alpha subunit 10; minus strand). Cytogenetic location: 3p22.2.
Variant type: single nucleotide variant.
Coding change: c.4444A>G on transcript NM_006514.4 (MANE Select); coding-DNA position 4444, A replaced by G.
Protein change: p.Ile1482Val; replaces isoleucine 1482 with valine.
Molecular consequence: missense variant.
Genome position (GRCh38, 1-based): chr3:38,702,052, T>C on the plus strand (A>G on the coding strand, the complement: SCN10A is on the minus strand). VCF-style: chr3-38702052-T-C. GRCh37 (hg19) VCF-style: chr3-38743543-T-C.
Other names: c.4444A>G (NM_006514.2); c.4441A>G, p.Ile1481Val (NM_001293306.2); c.4150A>G, p.Ile1384Val (NM_001293307.2); short protein forms I1384V, I1481V, I1482V.
Identifiers: ClinVar variation 835989 (VCV000835989.11), dbSNP rs771215180, ClinGen allele CA2319890.
Genomic context (GRCh38, chr3:38,702,052, plus strand): 5'-CACTTTGGTCATCAGTCTCCACCATCATGGTGATCATGTTGAGGCAGATGAGGACCATGA[T>C]GGTGATGTCAAAAGCTTGTCTGGTCACGATGTCAAAGACAAAACCCTGGAACTTGTTCTG-3'
Protein context (NP_006505.4, residues 1472-1492): IVTRQAFDIT[Ile1482Val]MVLICLNMIT